The following is an entry in ClinVar:

ClinVar aggregate classification (germline): Likely pathogenic (1 of 4 stars; one submission).

Submission:

Labcorp Genetics (formerly Invitae), Labcorp
Classification: Likely pathogenic. Last evaluated: 2021-07-28. Review status: criteria provided, single submitter. Criteria: Invitae Variant Classification Sherloc (09022015). Collection method: clinical testing. Allele origin: germline.
Comment: In summary, the currently available evidence indicates that the variant is pathogenic, but additional data are needed to prove that conclusively. Therefore, this variant has been classified as Likely Pathogenic. Algorithms developed to predict the effect of sequence changes on RNA splicing suggest that this variant may disrupt the consensus splice site. This variant has not been reported in the literature in individuals affected with ARPC1B-related conditions. This variant is not present in population databases (ExAC no frequency). This sequence change affects an acceptor splice site in intron 8 of the ARPC1B gene. It is expected to disrupt RNA splicing. Variants that disrupt the donor or acceptor splice site typically lead to a loss of protein function (PMID: 16199547), and loss-of-function variants in ARPC1B are known to be pathogenic (PMID: 27965109, 28368018, 29127144).

Literature cited by the submitters: PubMed 16199547; PubMed 27965109; PubMed 28368018; PubMed 29127144.

NM_005720.4(ARPC1B):c.990-1G>C

Gene: ARPC1B (actin related protein 2/3 complex subunit 1B; plus strand). Cytogenetic location: 7q22.1.
Variant type: single nucleotide variant.
Coding change: c.990-1G>C on transcript NM_005720.4 (MANE Select); the canonical splice acceptor site of the intron before coding-DNA position 990, G replaced by C.
Molecular consequence: splice acceptor variant.
Genome position (GRCh38, 1-based): chr7:99,394,028, G>C. VCF-style: chr7-99394028-G-C. GRCh37 (hg19) VCF-style: chr7-98991651-G-C.
Identifiers: ClinVar variation 1516257 (VCV001516257.6), dbSNP rs1794675671, ClinGen allele CA368329677.